The following is an entry in ClinVar:

ClinVar aggregate classification (germline): Conflicting classifications of pathogenicity. Review status: criteria provided, conflicting classifications (1 of 4 stars). 8 submissions from 8 submitters: Uncertain significance (1); Benign (2); Likely benign (4). 1 of the submissions does not count toward it. Last evaluated 2026-09-01.

Conditions:
Biotinidase deficiency. Also called: BTD deficiency; Late-onset biotin-responsive multiple carboxylase deficiency; Biotin deficiency. Identifiers: Orphanet 79241, MedGen C0220754, MONDO:0009665, OMIM 253260.

Allele frequency attached by ClinVar (database versions not stated): 1000 Genomes Project 30x 0.00031; 1000 Genomes Project 0.00040; gnomAD 0.00154 and 0.00156; gnomAD exomes 0.00162 and 0.00207; ExAC 0.00172; TOPMed 0.00174; ESP Exome Variant Server 0.00185.
gnomAD v4.1: 3,281 of 1,614,200 alleles (0.2%); highest among the groups gnomAD compares: Middle Eastern, 0.56%; 11 homozygotes.

Submissions (8):

CeGaT Center for Human Genetics Tuebingen
Classification: Likely benign. Last evaluated: 2026-09-01. Review status: criteria provided, single submitter. Criteria: CeGaT Center For Human Genetics Tuebingen Variant Classification Criteria Version 2. Collection method: clinical testing. Allele origin: germline. Affected: yes. Observed: 27 variant alleles.
Comment: BTD: BP4, BP7

Labcorp Genetics (formerly Invitae), Labcorp
Classification: Benign for Biotinidase deficiency. Last evaluated: 2026-02-02. Review status: criteria provided, single submitter. Criteria: Invitae Variant Classification Sherloc (09022015). Collection method: clinical testing. Allele origin: germline.

ARUP Laboratories, Molecular Genetics and Genomics, ARUP Laboratories
Classification: Benign for Biotinidase deficiency. Last evaluated: 2025-03-20. Review status: criteria provided, single submitter. Criteria: ARUP Molecular Germline Variant Investigation Process 2024. Collection method: clinical testing. Allele origin: germline.

Blueprint Genetics
Classification: Likely benign. Last evaluated: 2024-11-26. Review status: criteria provided, single submitter. Criteria: ACMG Guidelines, 2015. Collection method: clinical testing. Allele origin: germline.

Quest Diagnostics Nichols Institute San Juan Capistrano
Classification: Likely benign. Last evaluated: 2021-06-09. Review status: criteria provided, single submitter. Criteria: Quest Diagnostics criteria. Collection method: clinical testing. Allele origin: unknown.

Genome-Nilou Lab
Classification: Likely benign for Biotinidase deficiency. Last evaluated: 2021-05-18. Review status: criteria provided, single submitter. Criteria: ACMG Guidelines, 2015. Collection method: clinical testing. Allele origin: germline. Affected: no.

Eurofins Ntd Llc (ga)
Classification: Uncertain significance. Last evaluated: 2016-09-08. Review status: criteria provided, single submitter. Criteria: EGL Classification Definitions 2015. Collection method: clinical testing. Allele origin: germline. Observed: 1 variant allele, 1 heterozygote.

Natera, Inc.
Classification: Likely benign for Biotinidase deficiency. Last evaluated: 2020-09-16. Review status: no assertion criteria provided. Collection method: clinical testing. Allele origin: germline. Not counted in ClinVar's aggregate classification.

Literature cited by the submitters: PubMed 27329734 (cited by Quest Diagnostics Nichols Institute San Juan Capistrano).

NM_001370658.1(BTD):c.201C>T (p.Asn67=)

Gene: BTD (biotinidase; plus strand). Cytogenetic location: 3p25.1.
Variant type: single nucleotide variant.
Coding change: c.201C>T on transcript NM_001370658.1 (MANE Select); coding-DNA position 201, C replaced by T.
Protein change: p.Asn67=; no amino-acid change (asparagine 67 retained).
Molecular consequence: synonymous variant.
Genome position (GRCh38, 1-based): chr3:15,635,640, C>T. VCF-style: chr3-15635640-C-T. GRCh37 (hg19) VCF-style: chr3-15677147-C-T.
Other names: c.261C>T, p.Asn87= (NM_000060.4); c.201C>T, p.Asn67= (NM_001281723.4, NM_001281724.3, NM_001281725.3 and 37 more transcripts).
Identifiers: ClinVar variation 290069 (VCV000290069.52), dbSNP rs147057169, ClinGen allele CA2277271.